The following is an entry in ClinVar:

ClinVar aggregate classification (germline): Uncertain significance (1 of 4 stars; one submission).

Conditions:
Hereditary cancer-predisposing syndrome. Also called: Neoplastic Syndromes, Hereditary; Tumor predisposition; Hereditary Cancer Syndrome; Hereditary neoplastic syndrome. Identifiers: Orphanet 140162, MedGen C0027672, MeSH D009386, MONDO:0015356.

Submission:

Ambry Genetics
Classification: Uncertain significance for Hereditary cancer-predisposing syndrome. Last evaluated: 2022-09-24. Review status: criteria provided, single submitter. Criteria: Ambry Variant Classification Scheme 2023. Collection method: clinical testing. Allele origin: germline.
Comment: The p.S558G variant (also known as c.1672A>G), located in coding exon 13 of the BAP1 gene, results from an A to G substitution at nucleotide position 1672. The serine at codon 558 is replaced by glycine, an amino acid with similar properties. This amino acid position is conserved. In addition, this alteration is predicted to be tolerated by in silico analysis. Since supporting evidence is limited at this time, the clinical significance of this alteration remains unclear.

NM_004656.4(BAP1):c.1672A>G (p.Ser558Gly)

Gene: BAP1 (BRCA1 associated deubiquitinase 1; minus strand). Cytogenetic location: 3p21.1.
Variant type: single nucleotide variant.
Coding change: c.1672A>G on transcript NM_004656.4 (MANE Select); coding-DNA position 1672, A replaced by G.
Protein change: p.Ser558Gly; replaces serine 558 with glycine.
Molecular consequence: missense variant.
Genome position (GRCh38, 1-based): chr3:52,403,473, T>C on the plus strand (A>G on the coding strand, the complement: BAP1 is on the minus strand). VCF-style: chr3-52403473-T-C. GRCh37 (hg19) VCF-style: chr3-52437489-T-C.
Other names: c.1618A>G, p.Ser540Gly (NM_001410772.1); short protein forms S558G, S540G.
Identifiers: ClinVar variation 1777715 (VCV001777715.2), dbSNP rs2153226603, ClinGen allele CA353099958.